The following is an entry in ClinVar:

ClinVar aggregate classification (germline): Uncertain significance (1 of 4 stars; one submission).

Submission:

Labcorp Genetics (formerly Invitae), Labcorp
Classification: Uncertain significance. Last evaluated: 2024-06-03. Review status: criteria provided, single submitter. Criteria: Invitae Variant Classification Sherloc (09022015). Collection method: clinical testing. Allele origin: germline.
Comment: This sequence change replaces asparagine, which is neutral and polar, with serine, which is neutral and polar, at codon 53 of the ASAH1 protein (p.Asn53Ser). This variant is not present in population databases (gnomAD no frequency). This variant has not been reported in the literature in individuals affected with ASAH1-related conditions. ClinVar contains an entry for this variant (Variation ID: 2118000). Advanced modeling of protein sequence and biophysical properties (such as structural, functional, and spatial information, amino acid conservation, physicochemical variation, residue mobility, and thermodynamic stability) performed at Invitae indicates that this missense variant is not expected to disrupt ASAH1 protein function with a negative predictive value of 80%. In summary, the available evidence is currently insufficient to determine the role of this variant in disease. Therefore, it has been classified as a Variant of Uncertain Significance.

NM_177924.5(ASAH1):c.158A>G (p.Asn53Ser)

Gene: ASAH1 (N-acylsphingosine amidohydrolase 1; minus strand). Cytogenetic location: 8p22.
Variant type: single nucleotide variant.
Coding change: c.158A>G on transcript NM_177924.5 (MANE Select); coding-DNA position 158, A replaced by G.
Protein change: p.Asn53Ser; replaces asparagine 53 with serine.
Molecular consequence: missense variant. On other transcripts: 5 prime UTR variant (1).
Genome position (GRCh38, 1-based): chr8:18,071,358, T>C on the plus strand (A>G on the coding strand, the complement: ASAH1 is on the minus strand). VCF-style: chr8-18071358-T-C. GRCh37 (hg19) VCF-style: chr8-17928867-T-C.
Other names: c.227A>G, p.Asn76Ser (NM_001127505.3); c.-38A>G (NM_001363743.2); c.206A>G, p.Asn69Ser (NM_004315.6); short protein forms N69S, N76S, N53S.
Identifiers: ClinVar variation 2118000 (VCV002118000.4), dbSNP rs2537962777, ClinGen allele CA370434014.